The following is an entry in ClinVar:

ClinVar aggregate classification (germline): Uncertain significance (1 of 4 stars; one submission).

gnomAD v4.1: 1 of 1,614,104 alleles (0.000062%); highest among the groups gnomAD compares: Admixed American, 0.0017%; no homozygotes.

Submission:

Labcorp Genetics (formerly Invitae), Labcorp
Classification: Uncertain significance. Last evaluated: 2025-11-06. Review status: criteria provided, single submitter. Criteria: Invitae Variant Classification Sherloc (09022015). Collection method: clinical testing. Allele origin: germline.
Comment: This sequence change replaces methionine, which is neutral and non-polar, with leucine, which is neutral and non-polar, at codon 76 of the FECH protein (p.Met76Leu). This variant is present in population databases (rs746834796, gnomAD 0.003%). This variant has not been reported in the literature in individuals affected with FECH-related conditions. Invitae Evidence Modeling of protein sequence and biophysical properties (such as structural, functional, and spatial information, amino acid conservation, physicochemical variation, residue mobility, and thermodynamic stability) indicates that this missense variant is not expected to disrupt FECH protein function with a negative predictive value of 95%. In summary, the available evidence is currently insufficient to determine the role of this variant in disease. Therefore, it has been classified as a Variant of Uncertain Significance.

NM_000140.5(FECH):c.226A>T (p.Met76Leu)

Gene: FECH (ferrochelatase; minus strand). Cytogenetic location: 18q21.31.
Variant type: single nucleotide variant.
Coding change: c.226A>T on transcript NM_000140.5 (MANE Select); coding-DNA position 226, A replaced by T.
Protein change: p.Met76Leu; replaces methionine 76 with leucine.
Molecular consequence: missense variant.
Genome position (GRCh38, 1-based): chr18:57,573,334, T>A on the plus strand (A>T on the coding strand, the complement: FECH is on the minus strand). VCF-style: chr18-57573334-T-A. GRCh37 (hg19) VCF-style: chr18-55240566-T-A.
Other names: c.244A>T, p.Met82Leu (NM_001012515.4); c.226A>T, p.Met76Leu (NM_001371094.1, NM_001374778.1); c.10A>T, p.Met4Leu (NM_001371095.1); short protein forms M76L, M4L, M82L.
Identifiers: ClinVar variation 4694626 (VCV004694626.1).
Genomic context (GRCh38, chr18:57,573,334, plus strand): 5'-GGTCCAAGAAGAGTCTCAGAAGGAAGTCGTGAACATCTCCAAGAGTTTCAGGGCCTCCCA[T>A]GTTTAGCATTAATATTCCAGTTTTCGGCTTCCTATATAAAATAAAATACAACGGTTGATT-3'
Protein context (NP_000131.2, residues 66-86): KPKTGILMLN[Met76Leu]GGPETLGDVH